The following is an entry in ClinVar:

ClinVar aggregate classification (germline): Conflicting classifications of pathogenicity. Review status: criteria provided, conflicting classifications (1 of 4 stars). 7 submissions from 7 submitters: Uncertain significance (1); Likely benign (6). Last evaluated 2026-04-07.

Conditions:
LAMP2-related disorder. Also called: LAMP2-related condition.
Cardiovascular phenotype. Identifiers: MedGen CN230736.
Danon disease. Also called: Glycogen Storage Disease Type IIb; PSEUDOGLYCOGENOSIS II; GSD IIb; LYSOSOMAL GLYCOGEN STORAGE DISEASE WITHOUT ACID MALTASE DEFICIENCY; ANTOPOL DISEASE. Identifiers: Orphanet 34587, MedGen C0878677, MONDO:0010281, OMIM 300257.

Allele frequency attached by ClinVar (database versions not stated): ExAC 0.00003; gnomAD exomes 0.00003 and 0.00008; gnomAD 0.00004 and 0.00005; TOPMed 0.00006; ESP Exome Variant Server 0.00019.
gnomAD v4.1: 98 of 1,207,949 alleles (0.0081%); highest among the groups gnomAD compares: Non-Finnish European, 0.01%; no homozygotes.

Submissions (7):

PreventionGenetics, part of Exact Sciences
Classification: Likely benign for LAMP2-related condition. Last evaluated: 2026-04-07. Review status: criteria provided, single submitter. Criteria: ACMG Guidelines, 2015. Collection method: clinical testing. Allele origin: germline.
Comment: This variant is classified as likely benign based on ACMG/AMP sequence variant interpretation guidelines (Richards et al. 2015 PMID: 25741868, with internal and published modifications).

Labcorp Genetics (formerly Invitae), Labcorp
Classification: Likely benign for Danon disease. Last evaluated: 2025-10-26. Review status: criteria provided, single submitter. Criteria: Invitae Variant Classification Sherloc (09022015). Collection method: clinical testing. Allele origin: germline.

CeGaT Center for Human Genetics Tuebingen
Classification: Likely benign. Last evaluated: 2024-01-01. Review status: criteria provided, single submitter. Criteria: CeGaT Center For Human Genetics Tuebingen Variant Classification Criteria Version 2. Collection method: clinical testing. Allele origin: germline. Affected: yes. Observed: 1 variant allele.
Comment: LAMP2: BP4, BS2

Blueprint Genetics
Classification: Likely benign. Last evaluated: 2020-11-09. Review status: criteria provided, single submitter. Criteria: ACMG Guidelines, 2015. Collection method: clinical testing. Allele origin: germline.

GeneDx
Classification: Likely benign. Last evaluated: 2019-11-15. Review status: criteria provided, single submitter. Criteria: GeneDx Variant Classification Process June 2021. Collection method: clinical testing. Allele origin: germline. Affected: yes.
Comment: This variant is associated with the following publications: (PMID: 27532257)

Ambry Genetics
Classification: Likely benign for Cardiovascular phenotype. Last evaluated: 2019-11-08. Review status: criteria provided, single submitter. Criteria: Ambry Variant Classification Scheme 2023. Collection method: clinical testing. Allele origin: germline.

Laboratory for Molecular Medicine, Mass General Brigham Personalized Medicine
Classification: Uncertain significance. Last evaluated: 2014-02-28. Review status: criteria provided, single submitter. Criteria: LMM Criteria. Collection method: clinical testing. Allele origin: germline. Observed: 5 variant alleles.
Comment: Variant classified as Uncertain Significance - Favor Benign. The Val173Ile varia nt in LAMP2 has been previously reported by our laboratory in 2 individuals with HCM who were also carriers of a pathogenic variant in another HCM gene. It has also been identified in 2/6728 European American chromosomes by the NHLBI Exome Sequencing Project (dbSNP rs141574558). Computati onal prediction tools suggest that this variant may not impact the protein, thou gh this information is not predictive enough to rule out pathogenicity. Valine ( Val) at position 173 is not conserved in mammals or evolutionarily distant speci es, with one mammal (Chinese tree shrew) and some fish having this variant (Ile) at this position, further supporting that a change at this position may be tole rated. Furthermore, nearly all disease-causing variants in LAMP2 have been trunc ating, while this is a missense variant. In summary, although this data supports that the Val173Ile variant may be more likely benign, additional studies are ne eded to fully assess its clinical significance.

Literature cited by the submitters: PubMed 27532257 (cited by Ambry Genetics).

NM_002294.3(LAMP2):c.517G>A (p.Val173Ile)

Gene: LAMP2 (lysosome associated membrane protein 2; minus strand). Cytogenetic location: Xq24.
Variant type: single nucleotide variant.
Coding change: c.517G>A on transcript NM_002294.3 (MANE Select); coding-DNA position 517, G replaced by A.
Protein change: p.Val173Ile; replaces valine 173 with isoleucine.
Molecular consequence: missense variant.
Genome position (GRCh38, 1-based): chrX:120,449,009, C>T on the plus strand (G>A on the coding strand, the complement: LAMP2 is on the minus strand). VCF-style: chrX-120449009-C-T. GRCh37 (hg19) VCF-style: chrX-119582864-C-T.
Other names: c.517G>A, p.Val173Ile (NM_001122606.1, NM_013995.2); short protein forms V173I.
Identifiers: ClinVar variation 44430 (VCV000044430.40), dbSNP rs141574558, ClinGen allele CA134133.
Genomic context (GRCh38, chrX:120,449,009, plus strand): 5'-AGAAATATATACTTTACTCACCATTTGTGCTCACTGTGCCATTTTGGACAAAAGCTTGTA[C>T]AAGAACATCCCAGTAGTGTTGGACAACATCATTCTTTTCCAAAGTTGATAAACTATTGCA-3'
Protein context (NP_002285.1, residues 163-183): DVVQHYWDVL[Val173Ile]QAFVQNGTVS